The following is an entry in ClinVar:

NM_001370259.2(MEN1):c.1634C>T (p.Pro545Leu)

Gene: MEN1 (menin 1; minus strand). Cytogenetic location: 11q13.1.
Variant type: single nucleotide variant.
Coding change: c.1634C>T on transcript NM_001370259.2 (MANE Select); coding-DNA position 1634, C replaced by T.
Protein change: p.Pro545Leu; replaces proline 545 with leucine.
Molecular consequence: missense variant.
Genome position (GRCh38, 1-based): chr11:64,804,533, G>A on the plus strand (C>T on the coding strand, the complement: MEN1 is on the minus strand). VCF-style: chr11-64804533-G-A. GRCh37 (hg19) VCF-style: chr11-64572005-G-A.
Other names: c.1649C>T, p.Pro550Leu (NM_130804.3, NM_000244.4, NM_130800.3 and 3 more transcripts); c.1760C>T, p.Pro587Leu (NM_001370251.2); c.1634C>T, p.Pro545Leu (NM_001370260.2, NM_001370261.2, NM_130799.3); c.1529C>T, p.Pro510Leu (NM_001370262.2, NM_001370263.2); short protein forms P545L, P587L, P550L, P510L.
Identifiers: ClinVar variation 1376890 (VCV001376890.10), dbSNP rs1592630610, ClinGen allele CA381177973.

ClinVar aggregate classification (germline): Uncertain significance. Review status: criteria provided, multiple submitters, no conflicts (2 of 4 stars). 3 submissions from 3 submitters: Uncertain significance (3). Last evaluated 2024-09-11.

Conditions:
Multiple endocrine neoplasia, type 1 (MEN1). Also called: MEN I; WERMER SYNDROME; Endocrine adenomatosis multiple; MEN 1; MEA I. Identifiers: Orphanet 652, MedGen C0025267, MeSH D018761, MONDO:0007540, OMIM 131100.
Hereditary cancer-predisposing syndrome. Also called: Tumor predisposition; Hereditary neoplastic syndrome; Neoplastic Syndromes, Hereditary; Hereditary Cancer Syndrome. Identifiers: Orphanet 140162, MedGen C0027672, MeSH D009386, MONDO:0015356.

Submissions (3):

Labcorp Genetics (formerly Invitae), Labcorp
Classification: Uncertain significance for Multiple endocrine neoplasia, type 1. Last evaluated: 2024-09-11. Review status: criteria provided, single submitter. Criteria: Invitae Variant Classification Sherloc (09022015). Collection method: clinical testing. Allele origin: germline.
Comment: This sequence change replaces proline, which is neutral and non-polar, with leucine, which is neutral and non-polar, at codon 545 of the MEN1 protein (p.Pro545Leu). This variant is not present in population databases (gnomAD no frequency). This variant has not been reported in the literature in individuals affected with MEN1-related conditions. ClinVar contains an entry for this variant (Variation ID: 1376890). Invitae Evidence Modeling of protein sequence and biophysical properties (such as structural, functional, and spatial information, amino acid conservation, physicochemical variation, residue mobility, and thermodynamic stability) has been performed for this missense variant. However, the output from this modeling did not meet the statistical confidence thresholds required to predict the impact of this variant on MEN1 protein function. In summary, the available evidence is currently insufficient to determine the role of this variant in disease. Therefore, it has been classified as a Variant of Uncertain Significance.

Ambry Genetics
Classification: Uncertain significance for Hereditary cancer-predisposing syndrome. Last evaluated: 2024-05-02. Review status: criteria provided, single submitter. Criteria: Ambry Variant Classification Scheme 2023. Collection method: clinical testing. Allele origin: germline.
Comment: The p.P545L variant (also known as c.1634C>T), located in coding exon 9 of the MEN1 gene, results from a C to T substitution at nucleotide position 1634. The proline at codon 545 is replaced by leucine, an amino acid with similar properties. This amino acid position is highly conserved in available vertebrate species. In addition, the in silico prediction for this alteration is inconclusive. Since supporting evidence is limited at this time, the clinical significance of this alteration remains unclear.

Color Diagnostics, LLC DBA Color Health
Classification: Uncertain significance for Multiple endocrine neoplasia, type 1. Last evaluated: 2024-04-07. Review status: criteria provided, single submitter. Criteria: ACMG Guidelines, 2015. Collection method: clinical testing. Allele origin: germline.
Comment: This missense variant replaces proline with leucine at codon 545 of the MEN1 protein. Computational prediction suggests that this variant may not impact protein structure and function (internally defined REVEL score threshold <= 0.5, PMID: 27666373). To our knowledge, functional studies have not been reported for this variant. This variant has not been reported in individuals affected with MEN1-related disorders in the literature. This variant has not been identified in the general population by the Genome Aggregation Database (gnomAD). The available evidence is insufficient to determine the role of this variant in disease conclusively. Therefore, this variant is classified as a Variant of Uncertain Significance.